The following is an entry in ClinVar:

ClinVar aggregate classification (germline): Uncertain significance (1 of 4 stars; one submission).

Conditions:
Cardiovascular phenotype. Identifiers: MedGen CN230736.

Submission:

Ambry Genetics
Classification: Uncertain significance for Cardiovascular phenotype. Last evaluated: 2024-10-14. Review status: criteria provided, single submitter. Criteria: Ambry Variant Classification Scheme 2023. Collection method: clinical testing. Allele origin: germline.
Comment: The p.S3081R variant (also known as c.9243T>G), located in coding exon 26 of the APOB gene, results from a T to G substitution at nucleotide position 9243. The serine at codon 3081 is replaced by arginine, an amino acid with dissimilar properties. This amino acid position is conserved. In addition, this alteration is predicted to be tolerated by in silico analysis. Based on the available evidence, the clinical significance of this variant remains unclear.

NM_000384.3(APOB):c.9243T>G (p.Ser3081Arg)

Gene: APOB (apolipoprotein B; minus strand). Cytogenetic location: 2p24.1.
Variant type: single nucleotide variant.
Coding change: c.9243T>G on transcript NM_000384.3 (MANE Select); coding-DNA position 9243, T replaced by G.
Protein change: p.Ser3081Arg; replaces serine 3081 with arginine.
Molecular consequence: missense variant.
Genome position (GRCh38, 1-based): chr2:21,007,625, A>C on the plus strand (T>G on the coding strand, the complement: APOB is on the minus strand). VCF-style: chr2-21007625-A-C. GRCh37 (hg19) VCF-style: chr2-21230497-A-C.
Other names: short protein forms S3081R.
Identifiers: ClinVar variation 3416199 (VCV003416199.1).
Genomic context (GRCh38, chr2:21,007,625, plus strand): 5'-ATTTTGGTTGTACTTATACTGATTGAACCTAGCACTTACTTGCCAACTTGCTTGCTGGGC[A>C]CTGGGACTCAGAAACAGTGCATAGTTATTCAGGAAGTCTATCTTCCCTGTTAACCTTAAT-3'
Protein context (NP_000375.3, residues 3071-3091): LNNYALFLSP[Ser3081Arg]AQQASWQVSA